The following is an entry in ClinVar:

NM_000051.4(ATM):c.327C>A (p.Asn109Lys)

Gene: ATM (ATM serine/threonine kinase; plus strand). Cytogenetic location: 11q22.3.
Variant type: single nucleotide variant.
Coding change: c.327C>A on transcript NM_000051.4 (MANE Select); coding-DNA position 327, C replaced by A.
Protein change: p.Asn109Lys; replaces asparagine 109 with lysine.
Molecular consequence: missense variant.
Genome position (GRCh38, 1-based): chr11:108,229,319, C>A. VCF-style: chr11-108229319-C-A. GRCh37 (hg19) VCF-style: chr11-108100046-C-A.
Other names: c.327C>A, p.Asn109Lys (NM_001351834.2, NM_001351835.2, NM_001351836.2); short protein forms N109K.
Identifiers: ClinVar variation 2789811 (VCV002789811.3), dbSNP rs2135038574, ClinGen allele CA382521816.

ClinVar aggregate classification (germline): Uncertain significance (1 of 4 stars; one submission).

Conditions:
Ataxia-telangiectasia syndrome (AT). Also called: Ataxia telangiectasia (A-T); Cerebello-oculocutaneous telangiectasia; Immunodeficiency with ataxia telangiectasia; ATAXIA-TELANGIECTASIA, FRESNO VARIANT; LOUIS-BAR SYNDROME; Ataxia-telangiectasia, complementation group D. Identifiers: Orphanet 100, MedGen C0004135, MONDO:0008840, OMIM 208900.

Submission:

Labcorp Genetics (formerly Invitae), Labcorp
Classification: Uncertain significance for Ataxia-telangiectasia syndrome. Last evaluated: 2023-05-12. Review status: criteria provided, single submitter. Criteria: Invitae Variant Classification Sherloc (09022015). Collection method: clinical testing. Allele origin: germline.
Comment: In summary, the available evidence is currently insufficient to determine the role of this variant in disease. Therefore, it has been classified as a Variant of Uncertain Significance. Advanced modeling of protein sequence and biophysical properties (such as structural, functional, and spatial information, amino acid conservation, physicochemical variation, residue mobility, and thermodynamic stability) performed at Invitae indicates that this missense variant is not expected to disrupt ATM protein function. This variant has not been reported in the literature in individuals affected with ATM-related conditions. This sequence change replaces asparagine, which is neutral and polar, with lysine, which is basic and polar, at codon 109 of the ATM protein (p.Asn109Lys). This variant is not present in population databases (gnomAD no frequency).